The following is an entry in ClinVar:

NM_000179.3(MSH6):c.2425G>A (p.Val809Ile)

Gene: MSH6 (mutS homolog 6; plus strand). Cytogenetic location: 2p16.3.
Variant type: single nucleotide variant.
Coding change: c.2425G>A on transcript NM_000179.3 (MANE Select); coding-DNA position 2425, G replaced by A.
Protein change: p.Val809Ile; replaces valine 809 with isoleucine.
Molecular consequence: missense variant. On other transcripts: non-coding transcript variant (5), intron variant (3).
Genome position (GRCh38, 1-based): chr2:47,800,408, G>A. VCF-style: chr2-47800408-G-A. GRCh37 (hg19) VCF-style: chr2-48027547-G-A.
Other names: c.2035G>A, p.Val679Ile (NM_001281492.2); c.1519G>A, p.Val507Ile (NM_001281493.2, NM_001281494.2, NM_001406812.1 and 6 more transcripts); c.2521G>A, p.Val841Ile (NM_001406795.1, NM_001406802.1); c.2425G>A, p.Val809Ile (NM_001406796.1, NM_001406798.1, NM_001406800.1 and 2 more transcripts); c.2128G>A, p.Val710Ile (NM_001406797.1, NM_001406818.1, NM_001406819.1 and 10 more transcripts); c.1900G>A, p.Val634Ile (NM_001406799.1, NM_001406806.1, NM_001406807.1); c.2431G>A, p.Val811Ile (NM_001406813.1); c.2257G>A, p.Val753Ile (NM_001406826.1); and 4 more; short protein forms V507I, V634I, V783I, V809I, V710I, V753I, V811I, V841I.
Identifiers: ClinVar variation 2734200 (VCV002734200.3), dbSNP rs1446543957, ClinGen allele CA346754019.

ClinVar aggregate classification (germline): Uncertain significance (1 of 4 stars; one submission).

Conditions:
Hereditary nonpolyposis colorectal neoplasms. Identifiers: MedGen C0009405, MeSH D003123.

Submission:

Labcorp Genetics (formerly Invitae), Labcorp
Classification: Uncertain significance for Hereditary nonpolyposis colorectal neoplasms. Last evaluated: 2023-05-25. Review status: criteria provided, single submitter. Criteria: Invitae Variant Classification Sherloc (09022015). Collection method: clinical testing. Allele origin: germline.
Comment: In summary, the available evidence is currently insufficient to determine the role of this variant in disease. Therefore, it has been classified as a Variant of Uncertain Significance. Advanced modeling of protein sequence and biophysical properties (such as structural, functional, and spatial information, amino acid conservation, physicochemical variation, residue mobility, and thermodynamic stability) performed at Invitae indicates that this missense variant is not expected to disrupt MSH6 protein function. This missense change has been observed in individual(s) with colorectal cancer (PMID: 28135145). This variant is not present in population databases (gnomAD no frequency). This sequence change replaces valine, which is neutral and non-polar, with isoleucine, which is neutral and non-polar, at codon 809 of the MSH6 protein (p.Val809Ile).

Literature cited by the submitters: PubMed 28135145.